The following is an entry in ClinVar:

ClinVar aggregate classification (germline): Uncertain significance (1 of 4 stars; one submission).

Conditions:
Singleton-Merten syndrome 1 (SGMRT1). Also called: Widened medullary cavities of bone, aortic calcification, abnormal dentition, and muscular weakness; Syndrome of widened medullary cavities of the metacarpals and phalanges, aortic calcification and abnormal dentition. Identifiers: Orphanet 85191, MedGen C4225427, MONDO:0024535, OMIM 182250.
Aicardi-Goutieres syndrome 7 (AGS7). Identifiers: Orphanet 51, MedGen C3888244, MONDO:0014367, OMIM 615846.

Submission:

Labcorp Genetics (formerly Invitae), Labcorp
Classification: Uncertain significance for Aicardi-Goutieres syndrome 7; Singleton-Merten syndrome 1. Last evaluated: 2020-10-30. Review status: criteria provided, single submitter. Criteria: Invitae Variant Classification Sherloc (09022015). Collection method: clinical testing. Allele origin: germline.
Comment: In summary, the available evidence is currently insufficient to determine the role of this variant in disease. Therefore, it has been classified as a Variant of Uncertain Significance. Experimental studies and prediction algorithms are not available or were not evaluated, and the functional significance of this variant is currently unknown. This variant has not been reported in the literature in individuals with IFIH1-related conditions. This variant is a gross deletion of the genomic region encompassing exon(s) 3 of the IFIH1 gene. This variant would be expected to be in-frame, preserving the integrity of the reading frame.

NC_000002.11:g.(?_163163199)_(163163385_?)del

Gene: IFIH1 (interferon induced with helicase C domain 1; minus strand). Cytogenetic location: 2q24.2.
Variant type: Deletion.
Identifiers: ClinVar variation 1443776 (VCV001443776.6).